The following is an entry in ClinVar:

NM_015450.3(POT1):c.1765_1766del (p.Met589fs)

Gene: POT1 (protection of telomeres 1; minus strand). Cytogenetic location: 7q31.33.
Variant type: Microsatellite.
Coding change: c.1765_1766del on transcript NM_015450.3 (MANE Select); coding-DNA positions 1765 to 1766, 2 bases deleted (AT; older notation c.1765_1766delAT).
Protein change: p.Met589fs; shifts the reading frame from methionine 589.
Molecular consequence: frameshift variant. On other transcripts: non-coding transcript variant (3).
Genome position (GRCh38, 1-based): chr7:124,825,278-124,825,279, AT deleted on the plus strand (AT on the coding strand, the reverse complement: POT1 is on the minus strand); deleting any 2 consecutive bases within chr7:124,825,278-124,825,281 gives the same sequence; the c. name uses the placement nearest the transcript's 3' end. VCF-style (leftmost placement, unchanged base first): chr7-124825277-CAT-C. GRCh37 (hg19) VCF-style: chr7-124465331-CAT-C.
Other names: c.1372_1373del, p.Met458fs (NM_001042594.2); short protein forms M458fs, M589fs.
Identifiers: ClinVar variation 541882 (VCV000541882.12), dbSNP rs771968149, ClinGen allele CA4464991.

ClinVar aggregate classification (germline): Uncertain significance. Review status: criteria provided, multiple submitters, no conflicts (2 of 4 stars). 2 submissions from 2 submitters: Uncertain significance (2). Last evaluated 2025-10-23.

Conditions:
Tumor predisposition syndrome 3 (TPDS3). Also called: Glioma susceptibility 9; LONG TELOMERE SYNDROME, POT1-RELATED; POT1 Tumor Predisposition; Melanoma, cutaneous malignant, susceptibility to, 10. Identifiers: Orphanet 618, MedGen C4014476, MONDO:0014368, OMIM 615848.
Hereditary cancer-predisposing syndrome. Also called: Hereditary Cancer Syndrome; Neoplastic Syndromes, Hereditary; Hereditary neoplastic syndrome; Tumor predisposition. Identifiers: Orphanet 140162, MedGen C0027672, MeSH D009386, MONDO:0015356.

Submissions (2):

Labcorp Genetics (formerly Invitae), Labcorp
Classification: Uncertain significance for Tumor predisposition syndrome 3. Last evaluated: 2025-10-23. Review status: criteria provided, single submitter. Criteria: Invitae Variant Classification Sherloc (09022015). Collection method: clinical testing. Allele origin: germline.
Comment: This sequence change creates a premature translational stop signal (p.Met589Valfs*9) in the POT1 gene. While this is not anticipated to result in nonsense mediated decay, it is expected to disrupt the last 46 amino acid(s) of the POT1 protein. This variant is present in population databases (rs771968149, gnomAD 0.006%). This premature translational stop signal has been observed in individual(s) with thyroid cancer (PMID: 29625052). Experimental studies and prediction algorithms are not available or were not evaluated, and the functional significance of this variant is currently unknown. This variant disrupts the C-terminus of the POT1 protein. Other variant(s) that disrupt this region (p.Asp617Glufs*9) have been observed in individuals with POT1-related conditions (PMID: 25482530). This suggests that this may be a clinically significant region of the protein. In summary, the available evidence is currently insufficient to determine the role of this variant in disease. Therefore, it has been classified as a Variant of Uncertain Significance.

Ambry Genetics
Classification: Uncertain significance for Hereditary cancer-predisposing syndrome. Last evaluated: 2025-06-16. Review status: criteria provided, single submitter. Criteria: Ambry Variant Classification Scheme 2023. Collection method: clinical testing. Allele origin: germline.
Comment: The c.1765_1766delAT variant, located in coding exon 14 of the POT1 gene, results from a deletion of two nucleotides at nucleotide positions 1765 to 1766, causing a translational frameshift with a predicted alternate stop codon (p.M589Vfs*9). This alteration occurs at the 3' terminus of thePOT1 gene, is not expected to trigger nonsense-mediated mRNAdecay, and only impacts the last 46 amino acids of the protein. The exact functional effect of this alteration is unknown. Since supporting evidence is limited at this time, the clinical significance of this alteration remains unclear.

Literature cited by the submitters: PubMed 29625052 (cited by Labcorp Genetics (formerly Invitae), Labcorp); PubMed 25482530 (cited by Labcorp Genetics (formerly Invitae), Labcorp).